The following is an entry in ClinVar:

ClinVar aggregate classification (germline): Uncertain significance. Review status: criteria provided, multiple submitters, no conflicts (2 of 4 stars). 5 submissions from 5 submitters: Uncertain significance (5). Last evaluated 2026-07-01.

Conditions:
Charcot-Marie-Tooth disease type 2. Also called: Charcot-Marie-Tooth type 2. Identifiers: Orphanet 64746, MedGen C0270914, MONDO:0018993.
Inborn genetic diseases. Identifiers: MedGen C0950123, MeSH D030342.

Allele frequency attached by ClinVar (database versions not stated): TOPMed below 0.00001; gnomAD 0.00001; gnomAD exomes 0.00001.
gnomAD v4.1: 21 of 1,613,842 alleles (0.0013%); highest among the groups gnomAD compares: Non-Finnish European, 0.0017%; no homozygotes.

Submissions (5):

CeGaT Center for Human Genetics Tuebingen
Classification: Uncertain significance. Last evaluated: 2026-07-01. Review status: criteria provided, single submitter. Criteria: CeGaT Center For Human Genetics Tuebingen Variant Classification Criteria Version 2. Collection method: clinical testing. Allele origin: germline. Affected: yes. Observed: 1 variant allele.

Labcorp Genetics (formerly Invitae), Labcorp
Classification: Uncertain significance for Charcot-Marie-Tooth disease type 2. Last evaluated: 2025-08-20. Review status: criteria provided, single submitter. Criteria: Invitae Variant Classification Sherloc (09022015). Collection method: clinical testing. Allele origin: germline.
Comment: This sequence change replaces arginine, which is basic and polar, with glutamine, which is neutral and polar, at codon 194 of the AARS protein (p.Arg194Gln). This variant is present in population databases (no rsID available, gnomAD 0.002%). This variant has not been reported in the literature in individuals affected with AARS-related conditions. ClinVar contains an entry for this variant (Variation ID: 385892). Invitae Evidence Modeling of protein sequence and biophysical properties (such as structural, functional, and spatial information, amino acid conservation, physicochemical variation, residue mobility, and thermodynamic stability) indicates that this missense variant is not expected to disrupt AARS protein function with a negative predictive value of 80%. In summary, the available evidence is currently insufficient to determine the role of this variant in disease. Therefore, it has been classified as a Variant of Uncertain Significance.

Ambry Genetics
Classification: Uncertain significance for Inborn genetic diseases. Last evaluated: 2023-09-22. Review status: criteria provided, single submitter. Criteria: Ambry Variant Classification Scheme 2023. Collection method: clinical testing. Allele origin: germline.

Revvity Omics, Revvity
Classification: Uncertain significance. Last evaluated: 2022-07-28. Review status: criteria provided, single submitter. Criteria: ACMG Guidelines, 2015. Collection method: clinical testing. Allele origin: germline.

GeneDx
Classification: Uncertain significance. Last evaluated: 2021-09-02. Review status: criteria provided, single submitter. Criteria: GeneDx Variant Classification Process June 2021. Collection method: clinical testing. Allele origin: germline. Affected: yes.
Comment: Not observed at significant frequency in large population cohorts (Lek et al., 2016); In silico analysis supports that this missense variant has a deleterious effect on protein structure/function; Has not been previously published as pathogenic or benign to our knowledge; This variant is associated with the following publications: (PMID: 25817015)

NM_001605.3(AARS1):c.581G>A (p.Arg194Gln)

Gene: AARS1 (alanyl-tRNA synthetase 1; minus strand). Cytogenetic location: 16q22.1.
Variant type: single nucleotide variant.
Coding change: c.581G>A on transcript NM_001605.3 (MANE Select); coding-DNA position 581, G replaced by A.
Protein change: p.Arg194Gln; replaces arginine 194 with glutamine.
Molecular consequence: missense variant.
Genome position (GRCh38, 1-based): chr16:70,271,871, C>T on the plus strand (G>A on the coding strand, the complement: AARS1 is on the minus strand). VCF-style: chr16-70271871-C-T. GRCh37 (hg19) VCF-style: chr16-70305774-C-T.
Other names: short protein forms R194Q.
Identifiers: ClinVar variation 385892 (VCV000385892.14), dbSNP rs1033300766, ClinGen allele CA16607477.